The following is an entry in ClinVar:

NM_001267550.2(TTN):c.103276A>G (p.Thr34426Ala)

Genes: TTN-AS1 (TTN antisense RNA 1; plus strand), TTN (titin; minus strand). Cytogenetic location: 2q31.2.
Variant type: single nucleotide variant.
Coding change: c.103276A>G on transcript NM_001267550.2 (MANE Select); coding-DNA position 103276, A replaced by G.
Protein change: p.Thr34426Ala; replaces threonine 34426 with alanine.
Molecular consequence: missense variant.
Genome position (GRCh38, 1-based): chr2:178,533,339, T>C on the plus strand (A>G on the coding strand, the complement: TTN is on the minus strand). VCF-style: chr2-178533339-T-C. GRCh37 (hg19) VCF-style: chr2-179398066-T-C.
Other names: c.98353A>G, p.Thr32785Ala (NM_001256850.1); c.76081A>G, p.Thr25361Ala (NM_003319.4); c.95572A>G, p.Thr31858Ala (NM_133378.4); c.76456A>G, p.Thr25486Ala (NM_133432.3); c.76657A>G, p.Thr25553Ala (NM_133437.4); short protein forms T25553A, T34426A, T25486A, T31858A, T32785A, T25361A.
Identifiers: ClinVar variation 2065610 (VCV002065610.4), dbSNP rs2468489070, ClinGen allele CA349414625.

ClinVar aggregate classification (germline): Uncertain significance (1 of 4 stars; one submission).

Conditions:
Dilated cardiomyopathy 1G (CMD1G). Identifiers: Orphanet 154, MedGen C1858763, MONDO:0011400, OMIM 604145.
Autosomal recessive limb-girdle muscular dystrophy type 2J (LGMDR10). Also called: Limb-girdle muscular dystrophy, type 2J; MUSCULAR DYSTROPHY, LIMB-GIRDLE, AUTOSOMAL RECESSIVE 10. Identifiers: Orphanet 140922, MedGen C1837342, MONDO:0012127, OMIM 608807.

Submission:

Labcorp Genetics (formerly Invitae), Labcorp
Classification: Uncertain significance for Dilated cardiomyopathy 1G; Autosomal recessive limb-girdle muscular dystrophy type 2J. Last evaluated: 2021-12-29. Review status: criteria provided, single submitter. Criteria: Invitae Variant Classification Sherloc (09022015). Collection method: clinical testing. Allele origin: germline.
Comment: This variant is not present in population databases (gnomAD no frequency). This variant has not been reported in the literature in individuals affected with TTN-related conditions. Experimental studies and prediction algorithms are not available or were not evaluated, and the functional significance of this variant is currently unknown. In summary, the available evidence is currently insufficient to determine the role of this variant in disease. Therefore, it has been classified as a Variant of Uncertain Significance. This sequence change replaces threonine, which is neutral and polar, with alanine, which is neutral and non-polar, at codon 34426 of the TTN protein (p.Thr34426Ala). This variant is located in the M band of TTN (PMID: 25589632). Variants in this region may be relevant for neuromuscular disorders, but have not been definitively shown to cause cardiomyopathy (PMID: 23975875).

Literature cited by the submitters: PubMed 25589632; PubMed 23975875.